The following is an entry in ClinVar:

NM_003244.4(TGIF1):c.271C>T (p.Arg91Cys)

Gene: TGIF1 (TGFB induced factor homeobox 1; plus strand). Cytogenetic location: 18p11.31.
Variant type: single nucleotide variant.
Coding change: c.271C>T on transcript NM_003244.4 (MANE Select); coding-DNA position 271, C replaced by T.
Protein change: p.Arg91Cys; replaces arginine 91 with cysteine.
Molecular consequence: missense variant.
Genome position (GRCh38, 1-based): chr18:3,457,392, C>T. VCF-style: chr18-3457392-C-T. GRCh37 (hg19) VCF-style: chr18-3457390-C-T.
Other names: c.280C>T, p.Arg94Cys (NM_001278682.2); c.271C>T, p.Arg91Cys (NM_001278684.2, NM_173208.3); c.211C>T, p.Arg71Cys (NM_001278686.3, NM_001374396.1, NM_001374397.1 and 5 more transcripts); c.313C>T, p.Arg105Cys (NM_173207.4); short protein forms R105C, R94C, R71C, R91C.
Identifiers: ClinVar variation 861015 (VCV000861015.9), dbSNP rs1315861554, ClinGen allele CA401723162.
Genomic context (GRCh38, chr18:3,457,392, plus strand): 5'-GGAAAATGTTAAAGCGTACCGATATGATTTCAGGTCTGTAACTGGTTCATCAACGCCCGC[C>T]GCAGGCTCCTCCCTGACATGCTGAGAAAGGATGGCAAAGATCCAAATCAGTTCACAATTT-3'
Protein context (NP_003235.1, residues 81-101): QVCNWFINAR[Arg91Cys]RLLPDMLRKD

ClinVar aggregate classification (germline): Uncertain significance (1 of 4 stars; one submission).

Conditions:
Holoprosencephaly 4 (HPE4). Identifiers: Orphanet 2162, MedGen C1840528, MONDO:0007734, OMIM 142946.

Allele frequency attached by ClinVar (database versions not stated): gnomAD exomes below 0.00001.
gnomAD v4.1: 2 of 1,614,180 alleles (0.00012%); highest among the groups gnomAD compares: Non-Finnish European, 0.00017%; no homozygotes.

Submission:

Labcorp Genetics (formerly Invitae), Labcorp
Classification: Uncertain significance for Holoprosencephaly 4. Last evaluated: 2019-12-30. Review status: criteria provided, single submitter. Criteria: Invitae Variant Classification Sherloc (09022015). Collection method: clinical testing. Allele origin: germline.
Comment: This sequence change replaces arginine with cysteine at codon 91 of the TGIF1 protein (p.Arg91Cys). The arginine residue is highly conserved and there is a large physicochemical difference between arginine and cysteine. This variant is not present in population databases (ExAC no frequency). This variant has been observed in individual(s) with holoprosencephaly (PMID: 22125506). This variant is also known as p.Arg220Cys in the literature. Algorithms developed to predict the effect of missense changes on protein structure and function (SIFT, PolyPhen-2, Align-GVGD) all suggest that this variant is likely to be disruptive, but these predictions have not been confirmed by published functional studies and their clinical significance is uncertain. This variant disrupts the p.Arg91 amino acid residue in TGIF1. Other variant(s) that disrupt this residue have been observed in individuals with TGIF1-related conditions (PMID: 21940735), which suggests that this may be a clinically significant amino acid residue. In summary, the available evidence is currently insufficient to determine the role of this variant in disease. Therefore, it has been classified as a Variant of Uncertain Significance.

Literature cited by the submitters: PubMed 22125506; PubMed 21940735.